The following is an entry in ClinVar:

ClinVar aggregate classification (germline): Uncertain significance. Review status: criteria provided, multiple submitters, no conflicts (2 of 4 stars). 2 submissions from 2 submitters: Uncertain significance (2). Last evaluated 2026-06-21.

Conditions:
NDUFAF7-related condition.

gnomAD v4.1: 8 of 1,613,994 alleles (0.0005%); highest among the groups gnomAD compares: African/African-American, 0.0093%; no homozygotes.

Submissions (2):

PreventionGenetics, part of Exact Sciences
Classification: Uncertain significance for NDUFAF7-related condition. Last evaluated: 2026-06-21. Review status: criteria provided, single submitter. Criteria: ACMG Guidelines, 2015. Collection method: clinical testing. Allele origin: germline.
Comment: The NDUFAF7 c.1190A>C variant is predicted to result in the amino acid substitution p.Lys397Thr. To our knowledge, this variant has not been reported in the literature. This variant is reported in 0.016% of alleles in individuals of African descent in gnomAD. At this time, the clinical significance of this variant is uncertain due to the absence of conclusive functional and genetic evidence.

Ambry Genetics
Classification: Uncertain significance. Last evaluated: 2025-08-08. Review status: criteria provided, single submitter. Criteria: Ambry Variant Classification Scheme 2023. Collection method: clinical testing. Allele origin: germline.

NM_144736.5(NDUFAF7):c.1190A>C (p.Lys397Thr)

Gene: NDUFAF7 (NADH:ubiquinone oxidoreductase complex assembly factor 7; plus strand). Cytogenetic location: 2p22.2.
Variant type: single nucleotide variant.
Coding change: c.1190A>C on transcript NM_144736.5 (MANE Select); coding-DNA position 1190, A replaced by C.
Protein change: p.Lys397Thr; replaces lysine 397 with threonine.
Molecular consequence: missense variant. On other transcripts: non-coding transcript variant (10), intron variant (2).
Genome position (GRCh38, 1-based): chr2:37,248,214, A>C. VCF-style: chr2-37248214-A-C. GRCh37 (hg19) VCF-style: chr2-37475357-A-C.
Other names: c.896A>C, p.Lys299Thr (NM_001083946.2); c.977A>C, p.Lys326Thr (NM_001350027.2); c.1111-44A>C (NM_001350024.2); c.1030-44A>C (NM_001350025.2); c.1190A>C (NM_144736.4); short protein forms K326T, K299T, K397T.
Identifiers: ClinVar variation 4118273 (VCV004118273.2).